The following is an entry in ClinVar:

NM_172107.4(KCNQ2):c.2504C>T (p.Ala835Val)

Gene: KCNQ2 (potassium voltage-gated channel subfamily Q member 2; minus strand). Cytogenetic location: 20q13.33.
Variant type: single nucleotide variant.
Coding change: c.2504C>T on transcript NM_172107.4 (MANE Select); coding-DNA position 2504, C replaced by T.
Protein change: p.Ala835Val; replaces alanine 835 with valine.
Molecular consequence: missense variant.
Genome position (GRCh38, 1-based): chr20:63,406,759, G>A on the plus strand (C>T on the coding strand, the complement: KCNQ2 is on the minus strand). VCF-style: chr20-63406759-G-A. GRCh37 (hg19) VCF-style: chr20-62038112-G-A.
Other names: c.2420C>T, p.Ala807Val (NM_004518.6); c.2450C>T, p.Ala817Val (NM_172106.3); c.2411C>T, p.Ala804Val (NM_172108.5); short protein forms A835V, A804V, A807V, A817V.
Identifiers: ClinVar variation 578192 (VCV000578192.10), dbSNP rs754310883, ClinGen allele CA9958067.

ClinVar aggregate classification (germline): Uncertain significance. Review status: criteria provided, multiple submitters, no conflicts (2 of 4 stars). 2 submissions from 2 submitters: Uncertain significance (2). Last evaluated 2023-11-14.

Conditions:
Early-infantile DEE. Also called: Early infantile epileptic encephalopathy with suppression bursts; Early infantile epileptic encephalopathy; Ohtahara syndrome. Identifiers: Orphanet 1934, MedGen C0393706, MONDO:0800491.
Inborn genetic diseases. Identifiers: MedGen C0950123, MeSH D030342.

Allele frequency attached by ClinVar (database versions not stated): gnomAD exomes below 0.00001 and 0.00001; TOPMed below 0.00001; ExAC 0.00001; gnomAD 0.00001.
gnomAD v4.1: 6 of 1,612,124 alleles (0.00037%); highest among the groups gnomAD compares: African/African-American, 0.0013%; no homozygotes.

Submissions (2):

Labcorp Genetics (formerly Invitae), Labcorp
Classification: Uncertain significance for Early-infantile DEE. Last evaluated: 2023-11-14. Review status: criteria provided, single submitter. Criteria: Invitae Variant Classification Sherloc (09022015). Collection method: clinical testing. Allele origin: germline.
Comment: This sequence change replaces alanine, which is neutral and non-polar, with valine, which is neutral and non-polar, at codon 835 of the KCNQ2 protein (p.Ala835Val). The frequency data for this variant in the population databases is considered unreliable, as metrics indicate poor data quality at this position in the gnomAD database. This variant has not been reported in the literature in individuals affected with KCNQ2-related conditions. ClinVar contains an entry for this variant (Variation ID: 578192). An algorithm developed to predict the effect of missense changes on protein structure and function (PolyPhen-2) suggests that this variant is likely to be disruptive. In summary, the available evidence is currently insufficient to determine the role of this variant in disease. Therefore, it has been classified as a Variant of Uncertain Significance.

Ambry Genetics
Classification: Uncertain significance for Inborn genetic diseases. Last evaluated: 2021-08-31. Review status: criteria provided, single submitter. Criteria: Ambry Variant Classification Scheme 2023. Collection method: clinical testing. Allele origin: germline.